The following is an entry in ClinVar:

NM_024700.4(SNIP1):c.702_704del (p.Glu234del)

Genes: SNIP1 (Smad nuclear interacting protein 1; minus strand), LOC126805704 (BRD4-independent group 4 enhancer GRCh37_chr1:38005292-38006491; plus strand). Cytogenetic location: 1p34.3.
Variant type: Deletion.
Coding change: c.702_704del on transcript NM_024700.4 (MANE Select); coding-DNA positions 702 to 704, 3 bases deleted (GGA; older notation c.702_704delGGA).
Protein change: p.Glu234del; deletes glutamic acid 234.
Molecular consequence: inframe deletion.
Genome position (GRCh38, 1-based): chr1:37,540,379-37,540,381, TCC deleted on the plus strand (GGA on the coding strand, the reverse complement: SNIP1 is on the minus strand); deleting any 3 consecutive bases within chr1:37,540,379-37,540,383 gives the same sequence; the c. name uses the placement nearest the transcript's 3' end. VCF-style (leftmost placement, unchanged base first): chr1-37540378-GTCC-G. GRCh37 (hg19) VCF-style: chr1-38005979-GTCC-G.
Other names: short protein forms E234del.
Identifiers: ClinVar variation 2157649 (VCV002157649.4), dbSNP rs756024639, ClinGen allele CA771281.
Genomic context (GRCh38, chr1:37,540,378, plus strand): 5'-GGGGATACGTGCTTCTGGGGGCTCACTATATTTAATGACTACACCCCGGAAAGTGTTGGT[GTCC>G]TCAAGAAGTGCCCCAGAAAGTTCAAAGCTTGGTTTTTCTTTAGCGGGCACCTCTTTTTCT-3'

ClinVar aggregate classification (germline): Uncertain significance (1 of 4 stars; one submission).

Submission:

Labcorp Genetics (formerly Invitae), Labcorp
Classification: Uncertain significance. Last evaluated: 2022-08-22. Review status: criteria provided, single submitter. Criteria: Invitae Variant Classification Sherloc (09022015). Collection method: clinical testing. Allele origin: germline.
Comment: In summary, the available evidence is currently insufficient to determine the role of this variant in disease. Therefore, it has been classified as a Variant of Uncertain Significance. Experimental studies and prediction algorithms are not available or were not evaluated, and the functional significance of this variant is currently unknown. This variant has not been reported in the literature in individuals affected with SNIP1-related conditions. This variant is present in population databases (rs756024639, gnomAD 0.003%). This variant, c.702_704del, results in the deletion of 1 amino acid(s) of the SNIP1 protein (p.Glu234del), but otherwise preserves the integrity of the reading frame.